The following is an entry in ClinVar:

NM_006015.6(ARID1A):c.6162G>T (p.Glu2054Asp)

Gene: ARID1A (AT-rich interaction domain 1A; plus strand). Cytogenetic location: 1p36.11.
Variant type: single nucleotide variant.
Coding change: c.6162G>T on transcript NM_006015.6 (MANE Select); coding-DNA position 6162, G replaced by T.
Protein change: p.Glu2054Asp; replaces glutamic acid 2054 with aspartic acid.
Molecular consequence: missense variant.
Genome position (GRCh38, 1-based): chr1:26,780,060, G>T. VCF-style: chr1-26780060-G-T. GRCh37 (hg19) VCF-style: chr1-27106551-G-T.
Other names: c.5511G>T, p.Glu1837Asp (NM_139135.4); short protein forms E1837D, E2054D.
Identifiers: ClinVar variation 3682880 (VCV003682880.2).

ClinVar aggregate classification (germline): Uncertain significance (1 of 4 stars; one submission).

Submission:

Labcorp Genetics (formerly Invitae), Labcorp
Classification: Uncertain significance. Last evaluated: 2024-03-07. Review status: criteria provided, single submitter. Criteria: Invitae Variant Classification Sherloc (09022015). Collection method: clinical testing. Allele origin: germline.
Comment: This sequence change replaces glutamic acid, which is acidic and polar, with aspartic acid, which is acidic and polar, at codon 2054 of the ARID1A protein (p.Glu2054Asp). This variant is not present in population databases (gnomAD no frequency). This variant has not been reported in the literature in individuals affected with ARID1A-related conditions. Advanced modeling of protein sequence and biophysical properties (such as structural, functional, and spatial information, amino acid conservation, physicochemical variation, residue mobility, and thermodynamic stability) performed at Invitae indicates that this missense variant is not expected to disrupt ARID1A protein function with a negative predictive value of 80%. In summary, the available evidence is currently insufficient to determine the role of this variant in disease. Therefore, it has been classified as a Variant of Uncertain Significance.